The following is an entry in ClinVar:

NM_031935.3(HMCN1):c.3441G>T (p.Met1147Ile)

Gene: HMCN1 (hemicentin 1; plus strand). Cytogenetic location: 1q31.1.
Variant type: single nucleotide variant.
Coding change: c.3441G>T on transcript NM_031935.3 (MANE Select); coding-DNA position 3441, G replaced by T.
Protein change: p.Met1147Ile; replaces methionine 1147 with isoleucine.
Molecular consequence: missense variant.
Genome position (GRCh38, 1-based): chr1:185,993,245, G>T. VCF-style: chr1-185993245-G-T. GRCh37 (hg19) VCF-style: chr1-185962377-G-T.
Other names: c.3441G>T (NM_031935.2); short protein forms M1147I.
Identifiers: ClinVar variation 1381479 (VCV001381479.7), dbSNP rs201732691, ClinGen allele CA33438747.

ClinVar aggregate classification (germline): Uncertain significance. Review status: criteria provided, multiple submitters, no conflicts (2 of 4 stars). 2 submissions from 2 submitters: Uncertain significance (2). Last evaluated 2025-12-11.

Allele frequency attached by ClinVar (database versions not stated): gnomAD exomes 0.00001; TOPMed 0.00001; gnomAD 0.00002.

Submissions (2):

Ambry Genetics
Classification: Uncertain significance. Last evaluated: 2025-12-11. Review status: criteria provided, single submitter. Criteria: Ambry Variant Classification Scheme 2023. Collection method: clinical testing. Allele origin: germline.

Labcorp Genetics (formerly Invitae), Labcorp
Classification: Uncertain significance. Last evaluated: 2024-07-17. Review status: criteria provided, single submitter. Criteria: Invitae Variant Classification Sherloc (09022015). Collection method: clinical testing. Allele origin: germline.
Comment: This sequence change replaces methionine, which is neutral and non-polar, with isoleucine, which is neutral and non-polar, at codon 1147 of the HMCN1 protein (p.Met1147Ile). This variant is present in population databases (rs201732691, gnomAD 0.01%). This variant has not been reported in the literature in individuals affected with HMCN1-related conditions. ClinVar contains an entry for this variant (Variation ID: 1381479). An algorithm developed to predict the effect of missense changes on protein structure and function (PolyPhen-2) suggests that this variant is likely to be tolerated. In summary, the available evidence is currently insufficient to determine the role of this variant in disease. Therefore, it has been classified as a Variant of Uncertain Significance.